The following is an entry in ClinVar:

NM_015634.4(KIFBP):c.1034G>A (p.Arg345Lys)

Gene: KIFBP (kinesin family binding protein; plus strand). Cytogenetic location: 10q22.1.
Variant type: single nucleotide variant.
Coding change: c.1034G>A on transcript NM_015634.4 (MANE Select); coding-DNA position 1034, G replaced by A.
Protein change: p.Arg345Lys; replaces arginine 345 with lysine.
Molecular consequence: missense variant.
Genome position (GRCh38, 1-based): chr10:69,015,584, G>A. VCF-style: chr10-69015584-G-A. GRCh37 (hg19) VCF-style: chr10-70775340-G-A.
Other names: short protein forms R345K.
Identifiers: ClinVar variation 1681418 (VCV001681418.6), dbSNP rs761439410, ClinGen allele CA5529840.
Genomic context (GRCh38, chr10:69,015,584, plus strand): 5'-ATTTTTTTTTCCTTCAGGACAACATAGGAGAGCTTGATCTTGATAAACAGTCTGAACTTA[G>A]AGCTTTAAGGAAAAAAGAACTAGATGAGGAGGAAAGCATTCGGAAAAAAGCTGTGCAGTT-3'
Protein context (NP_056449.1, residues 335-355): ELDLDKQSEL[Arg345Lys]ALRKKELDEE

ClinVar aggregate classification (germline): Uncertain significance (1 of 4 stars; one submission).

Allele frequency attached by ClinVar (database versions not stated): gnomAD exomes below 0.00001; ExAC 0.00001; gnomAD 0.00001.
gnomAD v4.1: 8 of 1,613,246 alleles (0.0005%); highest among the groups gnomAD compares: Non-Finnish European, 0.00068%; no homozygotes.

Submission:

Labcorp Genetics (formerly Invitae), Labcorp
Classification: Uncertain significance. Last evaluated: 2025-08-21. Review status: criteria provided, single submitter. Criteria: Invitae Variant Classification Sherloc (09022015). Collection method: clinical testing. Allele origin: germline.
Comment: This sequence change replaces arginine, which is basic and polar, with lysine, which is basic and polar, at codon 345 of the KIF1BP protein (p.Arg345Lys). This variant is present in population databases (rs761439410, gnomAD 0.002%). This variant has not been reported in the literature in individuals affected with KIF1BP-related conditions. ClinVar contains an entry for this variant (Variation ID: 1681418). An algorithm developed to predict the effect of missense changes on protein structure and function outputs the following: PolyPhen-2: "Benign". The lysine amino acid residue is found in multiple mammalian species, which suggests that this missense change does not adversely affect protein function. In summary, the available evidence is currently insufficient to determine the role of this variant in disease. Therefore, it has been classified as a Variant of Uncertain Significance.